The following is an entry in ClinVar:

ClinVar aggregate classification (germline): Conflicting classifications of pathogenicity. Review status: criteria provided, conflicting classifications (1 of 4 stars). 6 submissions from 6 submitters: Uncertain significance (5); Likely benign (1). Last evaluated 2026-04-14.

Conditions:
RET-related disorder. Also called: RET-related disorders; RET-related condition; RET-related disease.
Hirschsprung disease, susceptibility to, 1 (HSCR1). Also called: RET-Related Hirschsprung Disease. Identifiers: Orphanet 388, MedGen C3888239, MONDO:0007723, OMIM 142623.
Multiple endocrine neoplasia type 2B. Also called: MEN 2B; MUCOSAL NEUROMA SYNDROME; Multiple endocrine neoplasia, type 3; MULTIPLE ENDOCRINE NEOPLASIA, TYPE IIB; Multiple Endocrine Neoplasia Type 2B (MEN2B); MEN IIB. Identifiers: Orphanet 247709, Orphanet 653, MedGen C0025269, MeSH D018814, MONDO:0008082, OMIM 162300.
Pheochromocytoma. Also called: MAX-Related Hereditary Paraganglioma-Pheochromocytoma Syndrome. Identifiers: Orphanet 29072, MedGen C0031511, MONDO:0008233, OMIM 171300, HP:0002666.
Familial medullary thyroid carcinoma (MTC). Also called: Thyroid cancer, familial medullary; MTC, familial; Familial Medullary Thyroid Carcinoma (FMTC). Identifiers: Orphanet 653, Orphanet 99361, MedGen C1833921, MONDO:0007958, OMIM 155240.
Multiple endocrine neoplasia type 2A. Also called: MULTIPLE ENDOCRINE NEOPLASIA, TYPE IIA; PTC SYNDROME; SIPPLE SYNDROME; MEN 2A; MEN-2A syndrome; Pheochromocytoma and amyloid producing medullary thyroid carcinoma. Identifiers: Orphanet 247698, Orphanet 653, MedGen C0025268, MeSH D018813, MONDO:0008234, OMIM 171400.
Hereditary cancer-predisposing syndrome. Also called: Neoplastic Syndromes, Hereditary; Hereditary Cancer Syndrome; Tumor predisposition; Hereditary neoplastic syndrome. Identifiers: Orphanet 140162, MedGen C0027672, MeSH D009386, MONDO:0015356.
Multiple endocrine neoplasia, type 2 (MEN2). Identifiers: Orphanet 653, MedGen C4048306, MONDO:0019003. Disease mechanism: gain of function.

Allele frequency attached by ClinVar (database versions not stated): TOPMed 0.00002.

Submissions (6):

Ambry Genetics
Classification: Likely benign for Hereditary cancer-predisposing syndrome. Last evaluated: 2026-04-14. Review status: criteria provided, single submitter. Criteria: Ambry Variant Classification Scheme 2023. Collection method: clinical testing. Allele origin: germline.

PreventionGenetics, part of Exact Sciences
Classification: Uncertain significance for RET-related condition. Last evaluated: 2025-07-31. Review status: criteria provided, single submitter. Criteria: ACMG Guidelines, 2015. Collection method: clinical testing. Allele origin: germline.
Comment: The RET c.523C>G variant is predicted to result in the amino acid substitution p.Arg175Gly. To our knowledge, this variant has not been reported in the literature or in a large population database (gnomAD), indicating this variant is rare. This variant is interpreted as uncertain in ClinVar (Variation ID: 641521). At this time, the clinical significance of this variant is uncertain due to the absence of conclusive functional and genetic evidence.

Labcorp Genetics (formerly Invitae), Labcorp
Classification: Uncertain significance for Multiple endocrine neoplasia, type 2. Last evaluated: 2025-07-30. Review status: criteria provided, single submitter. Criteria: Invitae Variant Classification Sherloc (09022015). Collection method: clinical testing. Allele origin: germline.
Comment: This sequence change replaces arginine, which is basic and polar, with glycine, which is neutral and non-polar, at codon 175 of the RET protein (p.Arg175Gly). This variant is not present in population databases (gnomAD no frequency). This variant has not been reported in the literature in individuals affected with RET-related conditions. ClinVar contains an entry for this variant (Variation ID: 641521). An algorithm developed to predict the effect of missense changes on protein structure and function (PolyPhen-2) suggests that this variant is likely to be disruptive. In summary, the available evidence is currently insufficient to determine the role of this variant in disease. Therefore, it has been classified as a Variant of Uncertain Significance.

GeneDx
Classification: Uncertain significance. Last evaluated: 2024-12-03. Review status: criteria provided, single submitter. Criteria: GeneDx Variant Classification Process June 2021. Collection method: clinical testing. Allele origin: germline.
Comment: Not observed at significant frequency in large population cohorts (gnomAD); In silico analysis supports that this missense variant has a deleterious effect on protein structure/function; Has not been previously published as pathogenic or benign to our knowledge; This variant is associated with the following publications: (PMID: 14633923)

All of Us Research Program, National Institutes of Health
Classification: Uncertain significance for Multiple endocrine neoplasia, type 2. Last evaluated: 2024-07-10. Review status: criteria provided, single submitter. Criteria: ACMG Guidelines, 2015. Collection method: clinical testing. Allele origin: germline. Inheritance: Autosomal dominant inheritance. Observed: 4 variant alleles, 4 heterozygotes.
Comment: This missense variant replaces arginine with glycine at codon 175 of the RET protein. Computational prediction suggests that this variant may not impact protein structure and function (internally defined REVEL score threshold <= 0.5, PMID: 27666373). To our knowledge, functional studies have not been reported for this variant. This variant has not been reported in individuals affected with RET-related disorders in the literature. This variant has not been identified in the general population by the Genome Aggregation Database (gnomAD). The available evidence is insufficient to determine the role of this variant in disease conclusively. Therefore, this variant is classified as a Variant of Uncertain Significance.

This study involves interpretation of variants in research participants for the purpose of population health screening. Participant phenotype was not available at the time of variant classification. Additional details can be found in publication PMID: 35346344, PMCID: PMC8962531

Fulgent Genetics
Classification: Uncertain significance for Hirschsprung disease, susceptibility to, 1; Familial medullary thyroid carcinoma; Multiple endocrine neoplasia type 2B; Pheochromocytoma; Multiple endocrine neoplasia type 2A. Last evaluated: 2024-01-04. Review status: criteria provided, single submitter. Criteria: ACMG Guidelines, 2015. Collection method: clinical testing. Allele origin: germline.

NM_020975.6(RET):c.523C>G (p.Arg175Gly)

Gene: RET (ret proto-oncogene; plus strand). Cytogenetic location: 10q11.21.
Variant type: single nucleotide variant.
Coding change: c.523C>G on transcript NM_020975.6 (MANE Select); coding-DNA position 523, C replaced by G.
Protein change: p.Arg175Gly; replaces arginine 175 with glycine.
Molecular consequence: missense variant.
Genome position (GRCh38, 1-based): chr10:43,102,527, C>G. VCF-style: chr10-43102527-C-G. GRCh37 (hg19) VCF-style: chr10-43597975-C-G.
Other names: c.523C>G, p.Arg175Gly (NM_000323.2, NM_001406743.1, NM_001406744.1 and 16 more transcripts); c.394C>G, p.Arg132Gly (NM_001406761.1, NM_001406762.1, NM_001406764.1 and 4 more transcripts); short protein forms R175G, R132G.
Identifiers: ClinVar variation 641521 (VCV000641521.19), dbSNP rs1057521088, ClinGen allele CA376543371.